The following is an entry in ClinVar:

ClinVar aggregate classification (germline): Conflicting classifications of pathogenicity. Review status: criteria provided, conflicting classifications (1 of 4 stars). 3 submissions from 3 submitters: Uncertain significance (1); Likely benign (1). 1 of the submissions does not count toward it. Last evaluated 2025-10-21.

Conditions:
Bloom syndrome (BLM). Also called: Bloom-Torre-Machacek syndrome. Identifiers: Orphanet 125, MedGen C0005859, MONDO:0008876, OMIM 210900.
Hereditary cancer-predisposing syndrome. Also called: Neoplastic Syndromes, Hereditary; Tumor predisposition; Hereditary Cancer Syndrome; Hereditary neoplastic syndrome. Identifiers: Orphanet 140162, MedGen C0027672, MeSH D009386, MONDO:0015356.

Allele frequency attached by ClinVar (database versions not stated): gnomAD 0.00001; gnomAD exomes 0.00001.
gnomAD v4.1: 7 of 1,613,860 alleles (0.00043%); highest among the groups gnomAD compares: Non-Finnish European, 0.00059%; no homozygotes.

Submissions (3):

Labcorp Genetics (formerly Invitae), Labcorp
Classification: Uncertain significance for Bloom syndrome. Last evaluated: 2025-10-21. Review status: criteria provided, single submitter. Criteria: Invitae Variant Classification Sherloc (09022015). Collection method: clinical testing. Allele origin: germline.
Comment: This sequence change replaces tyrosine, which is neutral and polar, with histidine, which is basic and polar, at codon 430 of the BLM protein (p.Tyr430His). This variant is present in population databases (no rsID available, gnomAD 0.007%). This variant has not been reported in the literature in individuals affected with BLM-related conditions. ClinVar contains an entry for this variant (Variation ID: 649548). Invitae Evidence Modeling of protein sequence and biophysical properties (such as structural, functional, and spatial information, amino acid conservation, physicochemical variation, residue mobility, and thermodynamic stability) indicates that this missense variant is not expected to disrupt BLM protein function with a negative predictive value of 80%. In summary, the available evidence is currently insufficient to determine the role of this variant in disease. Therefore, it has been classified as a Variant of Uncertain Significance.

Ambry Genetics
Classification: Likely benign for Hereditary cancer-predisposing syndrome. Last evaluated: 2024-03-14. Review status: criteria provided, single submitter. Criteria: Ambry Variant Classification Scheme 2023. Collection method: clinical testing. Allele origin: germline.

Natera, Inc.
Classification: Uncertain significance for Bloom syndrome. Last evaluated: 2020-11-16. Review status: no assertion criteria provided. Collection method: clinical testing. Allele origin: germline. Not counted in ClinVar's aggregate classification.

NM_000057.4(BLM):c.1288T>C (p.Tyr430His)

Gene: BLM (BLM RecQ like helicase; plus strand). Cytogenetic location: 15q26.1.
Variant type: single nucleotide variant.
Coding change: c.1288T>C on transcript NM_000057.4 (MANE Select); coding-DNA position 1288, T replaced by C.
Protein change: p.Tyr430His; replaces tyrosine 430 with histidine.
Molecular consequence: missense variant.
Genome position (GRCh38, 1-based): chr15:90,760,661, T>C. VCF-style: chr15-90760661-T-C. GRCh37 (hg19) VCF-style: chr15-91303891-T-C.
Other names: c.1288T>C, p.Tyr430His (NM_001287246.2, NM_001287247.2); c.163T>C, p.Tyr55His (NM_001287248.2); c.1288T>C (NM_000057.2); short protein forms Y55H, Y430H.
Identifiers: ClinVar variation 649548 (VCV000649548.16), dbSNP rs1314473930, ClinGen allele CA393842735.